The following is an entry in ClinVar:

ClinVar aggregate classification (germline): Uncertain significance. Review status: criteria provided, multiple submitters, no conflicts (2 of 4 stars). 4 submissions from 4 submitters: Uncertain significance (4). Last evaluated 2026-01-05.

Conditions:
Inborn genetic diseases. Identifiers: MedGen C0950123, MeSH D030342.
GDF6-related disorder. Also called: GDF6-related condition.
Microphthalmia, isolated, with coloboma 6 (MCOPCB6). Also called: MICROPHTHALMIA/COLOBOMA 6; Microphthalmia with coloboma 6, digenic; Microphthalmia with coloboma 6. Identifiers: Orphanet 98938, MedGen C3150968, MONDO:0013376, OMIM 613703.
Isolated microphthalmia 4. Identifiers: Orphanet 2542, MedGen C2751307, MONDO:0013130, OMIM 613094.
Klippel-Feil syndrome 1, autosomal dominant (KFS1). Also called: CERVICAL VERTEBRAL FUSION, AUTOSOMAL DOMINANT. Identifiers: Orphanet 2345, MedGen C1861689, MONDO:0007306, OMIM 118100.
Leber congenital amaurosis 17 (LCA17). Identifiers: Orphanet 65, MedGen C3715164, MONDO:0014145, OMIM 615360.

Allele frequency attached by ClinVar (database versions not stated): TOPMed 0.00002; gnomAD 0.00003 and 0.00004.
gnomAD v4.1: 83 of 1,613,492 alleles (0.0051%); highest among the groups gnomAD compares: Non-Finnish European, 0.006%; no homozygotes.

Submissions (4):

PreventionGenetics, part of Exact Sciences
Classification: Uncertain significance for GDF6-related condition. Last evaluated: 2026-01-05. Review status: criteria provided, single submitter. Criteria: ACMG Guidelines, 2015. Collection method: clinical testing. Allele origin: germline.
Comment: The GDF6 c.40A>G variant is predicted to result in the amino acid substitution p.Ile14Val. To our knowledge, this variant has not been reported in the literature. This variant is reported in 0.0098% of alleles in individuals of European (Non-Finnish) descent in gnomAD. At this time, the clinical significance of this variant is uncertain due to the absence of conclusive functional and genetic evidence.

Labcorp Genetics (formerly Invitae), Labcorp
Classification: Uncertain significance for Isolated microphthalmia 4; Leber congenital amaurosis 17; Klippel-Feil syndrome 1, autosomal dominant; Microphthalmia, isolated, with coloboma 6. Last evaluated: 2025-06-12. Review status: criteria provided, single submitter. Criteria: Invitae Variant Classification Sherloc (09022015). Collection method: clinical testing. Allele origin: germline.
Comment: This sequence change replaces isoleucine, which is neutral and non-polar, with valine, which is neutral and non-polar, at codon 14 of the GDF6 protein (p.Ile14Val). This variant is present in population databases (rs773668867, gnomAD 0.01%). This variant has not been reported in the literature in individuals affected with GDF6-related conditions. ClinVar contains an entry for this variant (Variation ID: 1383913). An algorithm developed to predict the effect of missense changes on protein structure and function outputs the following: PolyPhen-2: "Benign". The valine amino acid residue is found in multiple mammalian species, which suggests that this missense change does not adversely affect protein function. In summary, the available evidence is currently insufficient to determine the role of this variant in disease. Therefore, it has been classified as a Variant of Uncertain Significance.

Ambry Genetics
Classification: Uncertain significance for Inborn genetic diseases. Last evaluated: 2025-05-07. Review status: criteria provided, single submitter. Criteria: Ambry Variant Classification Scheme 2023. Collection method: clinical testing. Allele origin: germline.

Blueprint Genetics
Classification: Uncertain significance. Last evaluated: 2024-09-06. Review status: criteria provided, single submitter. Criteria: ACMG Guidelines, 2015. Collection method: clinical testing. Allele origin: germline.

NM_001001557.4(GDF6):c.40A>G (p.Ile14Val)

Gene: GDF6 (growth differentiation factor 6; minus strand). Cytogenetic location: 8q22.1.
Variant type: single nucleotide variant.
Coding change: c.40A>G on transcript NM_001001557.4 (MANE Select); coding-DNA position 40, A replaced by G.
Protein change: p.Ile14Val; replaces isoleucine 14 with valine.
Molecular consequence: missense variant.
Genome position (GRCh38, 1-based): chr8:96,160,653, T>C on the plus strand (A>G on the coding strand, the complement: GDF6 is on the minus strand). VCF-style: chr8-96160653-T-C. GRCh37 (hg19) VCF-style: chr8-97172881-T-C.
Other names: c.40A>G (NM_001001557.2, NM_001001557.3); short protein forms I14V.
Identifiers: ClinVar variation 1383913 (VCV001383913.9), dbSNP rs773668867, ClinGen allele CA4815565.